The following is an entry in ClinVar:

NM_000642.3(AGL):c.2578G>A (p.Val860Ile)

Gene: AGL (amylo-alpha-1,6-glucosidase and 4-alpha-glucanotransferase; plus strand). Cytogenetic location: 1p21.2.
Variant type: single nucleotide variant.
Coding change: c.2578G>A on transcript NM_000642.3 (MANE Select); coding-DNA position 2578, G replaced by A.
Protein change: p.Val860Ile; replaces valine 860 with isoleucine.
Molecular consequence: missense variant.
Genome position (GRCh38, 1-based): chr1:99,884,600, G>A. VCF-style: chr1-99884600-G-A. GRCh37 (hg19) VCF-style: chr1-100350156-G-A.
Other names: c.2578G>A, p.Val860Ile (NM_000028.3, NM_000643.3, NM_000644.3 and 2 more transcripts); c.2530G>A, p.Val844Ile (NM_000646.3); c.2377G>A, p.Val793Ile (NM_001425327.1); c.2374G>A, p.Val792Ile (NM_001425328.1); c.2200G>A, p.Val734Ile (NM_001425332.1); short protein forms V844I, V860I, V734I, V792I, V793I.
Identifiers: ClinVar variation 1015939 (VCV001015939.6), dbSNP rs1652307305, ClinGen allele CA341321600.

ClinVar aggregate classification (germline): Uncertain significance (1 of 4 stars; one submission).

Conditions:
Glycogen storage disease type III (GSD3). Also called: Cori disease; FORBES DISEASE. Identifiers: Orphanet 366, MedGen C0017922, MONDO:0009291, OMIM 232400.

Submission:

Labcorp Genetics (formerly Invitae), Labcorp
Classification: Uncertain significance for Glycogen storage disease type III. Last evaluated: 2021-08-31. Review status: criteria provided, single submitter. Criteria: Invitae Variant Classification Sherloc (09022015). Collection method: clinical testing. Allele origin: germline.
Comment: This sequence change replaces valine with isoleucine at codon 860 of the AGL protein (p.Val860Ile). The valine residue is moderately conserved and there is a small physicochemical difference between valine and isoleucine. This variant is not present in population databases (ExAC no frequency). This variant has not been reported in the literature in individuals affected with AGL-related conditions. Algorithms developed to predict the effect of missense changes on protein structure and function (SIFT, PolyPhen-2, Align-GVGD) all suggest that this variant is likely to be tolerated. In summary, the available evidence is currently insufficient to determine the role of this variant in disease. Therefore, it has been classified as a Variant of Uncertain Significance.